The following is an entry in ClinVar:

NM_183235.3(RAB27A):c.254C>T (p.Thr85Met)

Gene: RAB27A (RAB27A, member RAS oncogene family; minus strand). Cytogenetic location: 15q21.3.
Variant type: single nucleotide variant.
Coding change: c.254C>T on transcript NM_183235.3 (MANE Select); coding-DNA position 254, C replaced by T.
Protein change: p.Thr85Met; replaces threonine 85 with methionine.
Molecular consequence: missense variant.
Genome position (GRCh38, 1-based): chr15:55,228,698, G>A on the plus strand (C>T on the coding strand, the complement: RAB27A is on the minus strand). VCF-style: chr15-55228698-G-A. GRCh37 (hg19) VCF-style: chr15-55520896-G-A.
Other names: c.254C>T, p.Thr85Met (NM_004580.5, NM_183234.3, NM_183236.3); short protein forms T85M.
Identifiers: ClinVar variation 2052140 (VCV002052140.1), dbSNP rs773233108, ClinGen allele CA7573632.

ClinVar aggregate classification (germline): Uncertain significance (1 of 4 stars; one submission).

Conditions:
Griscelli syndrome type 2 (GS2). Also called: GRISCELLI SYNDROME WITH HEMOPHAGOCYTIC SYNDROME; PAID SYNDROME; PARTIAL ALBINISM AND IMMUNODEFICIENCY SYNDROME. Identifiers: Orphanet 381, Orphanet 79477, MedGen C1868679, MONDO:0011872, OMIM 607624.

Allele frequency attached by ClinVar (database versions not stated): ExAC 0.00002; gnomAD 0.00002; TOPMed 0.00003.
gnomAD v4.1: 17 of 1,612,918 alleles (0.0011%); highest among the groups gnomAD compares: East Asian, 0.0045%; no homozygotes.

Submission:

Labcorp Genetics (formerly Invitae), Labcorp
Classification: Uncertain significance for Griscelli syndrome type 2. Last evaluated: 2022-03-30. Review status: criteria provided, single submitter. Criteria: Invitae Variant Classification Sherloc (09022015). Collection method: clinical testing. Allele origin: germline.
Comment: This sequence change replaces threonine, which is neutral and polar, with methionine, which is neutral and non-polar, at codon 85 of the RAB27A protein (p.Thr85Met). This variant is present in population databases (rs773233108, gnomAD 0.007%). This missense change has been observed in individual(s) with hemophagocytic lymphohistiocytosis (PMID: 30899265). Advanced modeling of protein sequence and biophysical properties (such as structural, functional, and spatial information, amino acid conservation, physicochemical variation, residue mobility, and thermodynamic stability) performed at Invitae indicates that this missense variant is expected to disrupt RAB27A protein function. In summary, the available evidence is currently insufficient to determine the role of this variant in disease. Therefore, it has been classified as a Variant of Uncertain Significance.

Literature cited by the submitters: PubMed 30899265.